The following is an entry in ClinVar:

NM_001370595.2(COA8):c.129A>C (p.Ser43=)

Gene: COA8 (cytochrome c oxidase assembly factor 8; plus strand). Cytogenetic location: 14q32.33.
Variant type: single nucleotide variant.
Coding change: c.129A>C on transcript NM_001370595.2 (MANE Select); coding-DNA position 129, A replaced by C.
Protein change: p.Ser43=; no amino-acid change (serine 43 retained).
Molecular consequence: synonymous variant. On other transcripts: non-coding transcript variant (2).
Genome position (GRCh38, 1-based): chr14:103,571,628, A>C. VCF-style: chr14-103571628-A-C. GRCh37 (hg19) VCF-style: chr14-104037965-A-C.
Other names: NM_001302652.2:c.129A>C; c.129A>C, p.Ser43= (NM_001302653.2, NM_001302654.2); c.168A>C (NM_032374.4).
Identifiers: ClinVar variation 1681861 (VCV001681861.18), dbSNP rs143925033, ClinGen allele CA7365458.

ClinVar aggregate classification (germline): Likely benign. Review status: criteria provided, multiple submitters, no conflicts (2 of 4 stars). 4 submissions from 4 submitters: Likely benign (3). 1 of the submissions does not count toward it. Last evaluated 2025-04-01.

Conditions:
Mitochondrial complex IV deficiency, nuclear type 17. Also called: Mitochondrial complex 4 deficiency, nuclear type 17. Identifiers: MedGen C5436718, MONDO:0033652, OMIM 619061.
COA8-related disorder. Also called: COA8-related condition.

Allele frequency attached by ClinVar (database versions not stated): gnomAD exomes 0.00003; ExAC 0.00005; TOPMed 0.00008; ESP Exome Variant Server 0.00015; 1000 Genomes Project 30x 0.00109; 1000 Genomes Project 0.00140.
gnomAD v4.1: 51 of 1,613,740 alleles (0.0032%); highest among the groups gnomAD compares: African/African-American, 0.048%; 2 homozygotes.

Submissions (4):

CeGaT Center for Human Genetics Tuebingen
Classification: Likely benign. Last evaluated: 2025-04-01. Review status: criteria provided, single submitter. Criteria: CeGaT Center For Human Genetics Tuebingen Variant Classification Criteria Version 2. Collection method: clinical testing. Allele origin: germline. Affected: yes. Observed: 1 variant allele.
Comment: COA8: BP4, BP7

Labcorp Genetics (formerly Invitae), Labcorp
Classification: Likely benign. Last evaluated: 2024-05-31. Review status: criteria provided, single submitter. Criteria: Invitae Variant Classification Sherloc (09022015). Collection method: clinical testing. Allele origin: germline.

Fulgent Genetics
Classification: Likely benign for Mitochondrial complex IV deficiency, nuclear type 17. Last evaluated: 2021-12-26. Review status: criteria provided, single submitter. Criteria: ACMG Guidelines, 2015. Collection method: clinical testing. Allele origin: unknown.

PreventionGenetics, part of Exact Sciences
Classification: Likely benign for COA8-related condition. Last evaluated: 2020-01-15. Review status: no assertion criteria provided. Collection method: clinical testing. Allele origin: germline. Not counted in ClinVar's aggregate classification.
Comment: This variant is classified as likely benign based on ACMG/AMP sequence variant interpretation guidelines (Richards et al. 2015 PMID: 25741868, with internal and published modifications).